The following is an entry in ClinVar:

NM_001282933.2(ZNF341):c.1775dup (p.Arg593fs)

Gene: ZNF341 (zinc finger protein 341; plus strand). Cytogenetic location: 20q11.22.
Variant type: Duplication.
Coding change: c.1775dup on transcript NM_001282933.2 (MANE Select); coding-DNA position 1775, one base duplicated (G; older notation c.1775dupG).
Protein change: p.Arg593fs; shifts the reading frame from arginine 593.
Molecular consequence: frameshift variant. On other transcripts: non-coding transcript variant (1).
Genome position (GRCh38, 1-based): chr20:33,783,787, G duplicated; the last of 5 consecutive G bases (chr20:33,783,783-33,783,787); duplicating any one gives the same sequence. VCF-style (leftmost placement, unchanged base first): chr20-33783782-C-CG. GRCh37 (hg19) VCF-style: chr20-32371588-C-CG.
Other names: c.1505dup, p.Arg503fs (NM_001282935.2); c.1754dup, p.Arg586fs (NM_032819.5); short protein forms R503fs, R593fs, R586fs.
Identifiers: ClinVar variation 1443706 (VCV001443706.6), dbSNP rs1167242781, ClinGen allele CA743740697.

ClinVar aggregate classification (germline): Pathogenic (1 of 4 stars; one submission).

Submission:

Labcorp Genetics (formerly Invitae), Labcorp
Classification: Pathogenic. Last evaluated: 2022-07-12. Review status: criteria provided, single submitter. Criteria: Invitae Variant Classification Sherloc (09022015). Collection method: clinical testing. Allele origin: germline.
Comment: This sequence change creates a premature translational stop signal (p.Arg586Glnfs*27) in the ZNF341 gene. It is expected to result in an absent or disrupted protein product. Loss-of-function variants in ZNF341 are known to be pathogenic (PMID: 29907690, 29907691). This variant is not present in population databases (gnomAD no frequency). This variant has not been reported in the literature in individuals affected with ZNF341-related conditions. ClinVar contains an entry for this variant (Variation ID: 1443706). For these reasons, this variant has been classified as Pathogenic.

Literature cited by the submitters: PubMed 29907690; PubMed 29907691.